The following is an entry in ClinVar:

ClinVar aggregate classification (germline): Uncertain significance (1 of 4 stars; one submission).

Conditions:
Ullrich congenital muscular dystrophy 2 (UCMD2). Identifiers: Orphanet 75840, MedGen C4225314, MONDO:0014654, OMIM 616470.
Bethlem myopathy 2 (BTHLM2). Identifiers: Orphanet 536516, Orphanet 610, MedGen C4225313, MONDO:0034022, OMIM 616471.

Allele frequency attached by ClinVar (database versions not stated): ExAC 0.00001; 1000 Genomes Project 30x 0.00016; 1000 Genomes Project 0.00020; TOPMed 0.00003; gnomAD exomes below 0.00001.
gnomAD v4.1: 3 of 1,573,450 alleles (0.00019%); highest among the groups gnomAD compares: Admixed American, 0.0019%; no homozygotes.

Submission:

Labcorp Genetics (formerly Invitae), Labcorp
Classification: Uncertain significance for Bethlem myopathy 2; Ullrich congenital muscular dystrophy 2. Last evaluated: 2025-05-05. Review status: criteria provided, single submitter. Criteria: Invitae Variant Classification Sherloc (09022015). Collection method: clinical testing. Allele origin: germline.
Comment: This sequence change replaces proline, which is neutral and non-polar, with serine, which is neutral and polar, at codon 2785 of the COL12A1 protein (p.Pro2785Ser). This variant is not present in population databases (gnomAD no frequency). This variant has not been reported in the literature in individuals affected with COL12A1-related conditions. ClinVar contains an entry for this variant (Variation ID: 2930077). Invitae Evidence Modeling of protein sequence and biophysical properties (such as structural, functional, and spatial information, amino acid conservation, physicochemical variation, residue mobility, and thermodynamic stability) indicates that this missense variant is not expected to disrupt COL12A1 protein function with a negative predictive value of 80%. In summary, the available evidence is currently insufficient to determine the role of this variant in disease. Therefore, it has been classified as a Variant of Uncertain Significance.

NM_004370.6(COL12A1):c.8353C>T (p.Pro2785Ser)

Gene: COL12A1 (collagen type XII alpha 1 chain; minus strand). Cytogenetic location: 6q13.
Variant type: single nucleotide variant.
Coding change: c.8353C>T on transcript NM_004370.6 (MANE Select); coding-DNA position 8353, C replaced by T.
Protein change: p.Pro2785Ser; replaces proline 2785 with serine.
Molecular consequence: missense variant.
Genome position (GRCh38, 1-based): chr6:75,102,659, G>A on the plus strand (C>T on the coding strand, the complement: COL12A1 is on the minus strand). VCF-style: chr6-75102659-G-A. GRCh37 (hg19) VCF-style: chr6-75812375-G-A.
Other names: c.8353C>T, p.Pro2785Ser (NM_001424113.1); c.8332C>T, p.Pro2778Ser (NM_001424114.1); c.8080C>T, p.Pro2694Ser (NM_001424115.1); c.4861C>T, p.Pro1621Ser (NM_001424116.1, NM_080645.3); short protein forms P1621S, P2694S, P2778S, P2785S.
Identifiers: ClinVar variation 2930077 (VCV002930077.3), dbSNP rs200712322, ClinGen allele CA3892300.